The following is an entry in ClinVar:

ClinVar aggregate classification (germline): Likely benign. Review status: criteria provided, multiple submitters, no conflicts (2 of 4 stars). 3 submissions from 3 submitters: Likely benign (2). 1 of the submissions does not count toward it. Last evaluated 2026-06-01.

Conditions:
ITPR3-related disorder. Also called: ITPR3-related condition.

Allele frequency attached by ClinVar (database versions not stated): 1000 Genomes Project 30x 0.00125; TOPMed 0.00196; gnomAD 0.00236; 1000 Genomes Project 0.00120; ESP Exome Variant Server 0.00254; gnomAD exomes 0.00301; ExAC 0.00261.
gnomAD v4.1: 4,730 of 1,614,100 alleles (0.29%); highest among the groups gnomAD compares: Non-Finnish European, 0.33%; 13 homozygotes.

Submissions (3):

CeGaT Center for Human Genetics Tuebingen
Classification: Likely benign. Last evaluated: 2026-06-01. Review status: criteria provided, single submitter. Criteria: CeGaT Center For Human Genetics Tuebingen Variant Classification Criteria Version 2. Collection method: clinical testing. Allele origin: germline. Affected: yes. Observed: 8 variant alleles.
Comment: ITPR3: BS1

Blueprint Genetics
Classification: Likely benign. Last evaluated: 2024-11-08. Review status: criteria provided, single submitter. Criteria: ACMG Guidelines, 2015. Collection method: clinical testing. Allele origin: germline.

PreventionGenetics, part of Exact Sciences
Classification: Likely benign for ITPR3-related condition. Last evaluated: 2019-09-18. Review status: no assertion criteria provided. Collection method: clinical testing. Allele origin: germline. Not counted in ClinVar's aggregate classification.
Comment: This variant is classified as likely benign based on ACMG/AMP sequence variant interpretation guidelines (Richards et al. 2015 PMID: 25741868, with internal and published modifications).

NM_002224.4(ITPR3):c.5213G>A (p.Cys1738Tyr)

Gene: ITPR3 (inositol 1,4,5-trisphosphate receptor type 3; plus strand). Cytogenetic location: 6p21.31.
Variant type: single nucleotide variant.
Coding change: c.5213G>A on transcript NM_002224.4 (MANE Select); coding-DNA position 5213, G replaced by A.
Protein change: p.Cys1738Tyr; replaces cysteine 1738 with tyrosine.
Molecular consequence: missense variant.
Genome position (GRCh38, 1-based): chr6:33,684,849, G>A. VCF-style: chr6-33684849-G-A. GRCh37 (hg19) VCF-style: chr6-33652626-G-A.
Other names: c.5213G>A (NM_002224.3); short protein forms C1738Y.
Identifiers: ClinVar variation 2656499 (VCV002656499.26), dbSNP rs41267659, ClinGen allele CA3761498.